The following is an entry in ClinVar:

ClinVar aggregate classification (germline): Uncertain significance. Review status: criteria provided, multiple submitters, no conflicts (2 of 4 stars). 2 submissions from 2 submitters: Uncertain significance (2). Last evaluated 2025-09-29.

Conditions:
Epileptic encephalopathy. Identifiers: MedGen C0543888, HP:0200134.

gnomAD v4.1: 1 of 1,613,194 alleles (0.000062%); highest among the groups gnomAD compares: Non-Finnish European, 0.000085%; no homozygotes.

Submissions (2):

Labcorp Genetics (formerly Invitae), Labcorp
Classification: Uncertain significance for Epileptic encephalopathy. Last evaluated: 2025-09-29. Review status: criteria provided, single submitter. Criteria: Invitae Variant Classification Sherloc (09022015). Collection method: clinical testing. Allele origin: germline.
Comment: This sequence change replaces histidine, which is basic and polar, with tyrosine, which is neutral and polar, at codon 294 of the GABBR2 protein (p.His294Tyr). This variant is not present in population databases (gnomAD no frequency). This variant has not been reported in the literature in individuals affected with GABBR2-related conditions. An algorithm developed to predict the effect of missense changes on protein structure and function (PolyPhen-2) suggests that this variant is likely to be tolerated. In summary, the available evidence is currently insufficient to determine the role of this variant in disease. Therefore, it has been classified as a Variant of Uncertain Significance.

Blueprint Genetics
Classification: Uncertain significance. Last evaluated: 2020-02-27. Review status: criteria provided, single submitter. Criteria: ACMG Guidelines, 2015. Collection method: clinical testing. Allele origin: germline.

NM_005458.8(GABBR2):c.880C>T (p.His294Tyr)

Gene: GABBR2 (gamma-aminobutyric acid type B receptor subunit 2; minus strand). Cytogenetic location: 9q22.33.
Variant type: single nucleotide variant.
Coding change: c.880C>T on transcript NM_005458.8 (MANE Select); coding-DNA position 880, C replaced by T.
Protein change: p.His294Tyr; replaces histidine 294 with tyrosine.
Molecular consequence: missense variant.
Genome position (GRCh38, 1-based): chr9:98,473,265, G>A on the plus strand (C>T on the coding strand, the complement: GABBR2 is on the minus strand). VCF-style: chr9-98473265-G-A. GRCh37 (hg19) VCF-style: chr9-101235547-G-A.
Other names: short protein forms H294Y.
Identifiers: ClinVar variation 4703993 (VCV004703993.2).